The following is an entry in ClinVar:

ClinVar aggregate classification (germline): Uncertain significance (1 of 4 stars; one submission).

Allele frequency attached by ClinVar (database versions not stated): gnomAD exomes below 0.00001; ExAC 0.00001.
gnomAD v4.1: 4 of 1,155,365 alleles (0.00035%); highest among the groups gnomAD compares: Non-Finnish European, 0.00012%; no homozygotes.

Submission:

Labcorp Genetics (formerly Invitae), Labcorp
Classification: Uncertain significance. Last evaluated: 2022-09-13. Review status: criteria provided, single submitter. Criteria: Invitae Variant Classification Sherloc (09022015). Collection method: clinical testing. Allele origin: germline.
Comment: Advanced modeling of protein sequence and biophysical properties (such as structural, functional, and spatial information, amino acid conservation, physicochemical variation, residue mobility, and thermodynamic stability) performed at Invitae indicates that this missense variant is expected to disrupt POLA1 protein function. In summary, the available evidence is currently insufficient to determine the role of this variant in disease. Therefore, it has been classified as a Variant of Uncertain Significance. This variant has not been reported in the literature in individuals affected with POLA1-related conditions. The frequency data for this variant in the population databases is considered unreliable, as metrics indicate poor data quality at this position in the gnomAD database. This sequence change replaces tyrosine, which is neutral and polar, with cysteine, which is neutral and slightly polar, at codon 1341 of the POLA1 protein (p.Tyr1341Cys).

NM_001330360.2(POLA1):c.4040A>G (p.Tyr1347Cys)

Gene: POLA1 (DNA polymerase alpha 1, catalytic subunit; plus strand). Cytogenetic location: Xp22.11.
Variant type: single nucleotide variant.
Coding change: c.4040A>G on transcript NM_001330360.2 (MANE Select); coding-DNA position 4040, A replaced by G.
Protein change: p.Tyr1347Cys; replaces tyrosine 1347 with cysteine.
Molecular consequence: missense variant. On other transcripts: non-coding transcript variant (2).
Genome position (GRCh38, 1-based): chrX:24,843,670, A>G. VCF-style: chrX-24843670-A-G. GRCh37 (hg19) VCF-style: chrX-24861787-A-G.
Other names: c.3965A>G, p.Tyr1322Cys (NM_001378303.1); c.4022A>G, p.Tyr1341Cys (NM_016937.4); short protein forms Y1347C, Y1341C, Y1322C.
Identifiers: ClinVar variation 1981162 (VCV001981162.4), dbSNP rs776204639, ClinGen allele CA10373660.